The following is an entry in ClinVar:

ClinVar aggregate classification (germline): Pathogenic/Likely pathogenic. Review status: criteria provided, multiple submitters, no conflicts (2 of 4 stars). 3 submissions from 3 submitters: Pathogenic (2); Likely pathogenic (1). Last evaluated 2025-12-10.

Conditions:
Glycogen storage disease type III (GSD3). Also called: Cori disease; FORBES DISEASE. Identifiers: Orphanet 366, MedGen C0017922, MONDO:0009291, OMIM 232400.

Allele frequency attached by ClinVar (database versions not stated): gnomAD exomes below 0.00001; TOPMed below 0.00001.
gnomAD v4.1: 1 of 1,614,060 alleles (0.000062%); highest among the groups gnomAD compares: Admixed American, 0.0017%; no homozygotes.

Submissions (3):

Labcorp Genetics (formerly Invitae), Labcorp
Classification: Pathogenic for Glycogen storage disease type III. Last evaluated: 2025-12-10. Review status: criteria provided, single submitter. Criteria: Invitae Variant Classification Sherloc (09022015). Collection method: clinical testing. Allele origin: germline.
Comment: This sequence change creates a premature translational stop signal (p.Trp1372*) in the AGL gene. It is expected to result in an absent or disrupted protein product. Loss-of-function variants in AGL are known to be pathogenic (PMID: 19299494). This variant is present in population databases (no rsID available, gnomAD 0.003%). This variant has not been reported in the literature in individuals affected with AGL-related conditions. ClinVar contains an entry for this variant (Variation ID: 1075113). Algorithms developed to predict the effect of sequence changes on RNA splicing suggest that this variant may disrupt the consensus splice site. For these reasons, this variant has been classified as Pathogenic.

Natera, Inc.
Classification: Likely pathogenic for Glycogen storage disease type III. Last evaluated: 2024-03-25. Review status: criteria provided, single submitter. Criteria: Natera Variant Classification Schema (03/2026). Collection method: clinical testing. Allele origin: germline.
Comment: The c.4115G>A variant in AGL is a nonsense variant predicted to introduce a stop codon at amino acid 1372. This variant is expected to result in nonsense mediated decay, truncation, or a dysfunctional protein product. This variant is rare in the general population with a frequency below the threshold expected for the associated phenotype(s). Given the available evidence, this variant is classified as Likely Pathogenic.

Baylor Genetics
Classification: Pathogenic for Glycogen storage disease type III. Last evaluated: 2021-12-09. Review status: criteria provided, single submitter. Criteria: ACMG Guidelines, 2015. Collection method: clinical testing. Allele origin: unknown.

Literature cited by the submitters: PubMed 19299494 (cited by Labcorp Genetics (formerly Invitae), Labcorp).

NM_000642.3(AGL):c.4115G>A (p.Trp1372Ter)

Gene: AGL (amylo-alpha-1,6-glucosidase and 4-alpha-glucanotransferase; plus strand). Cytogenetic location: 1p21.2.
Variant type: single nucleotide variant.
Coding change: c.4115G>A on transcript NM_000642.3 (MANE Select); coding-DNA position 4115, G replaced by A.
Protein change: p.Trp1372Ter; replaces tryptophan 1372 with a stop codon.
Molecular consequence: nonsense.
Genome position (GRCh38, 1-based): chr1:99,913,692, G>A. VCF-style: chr1-99913692-G-A. GRCh37 (hg19) VCF-style: chr1-100379248-G-A.
Other names: c.4115G>A (NM_000642.2); c.4115G>A, p.Trp1372Ter (NM_000028.3, NM_000643.3, NM_000644.3 and 1 more transcripts); c.4067G>A, p.Trp1356Ter (NM_000646.3); c.4094G>A, p.Trp1365Ter (NM_001425326.1); c.3914G>A, p.Trp1305Ter (NM_001425327.1); c.3911G>A, p.Trp1304Ter (NM_001425328.1); c.3776G>A, p.Trp1259Ter (NM_001425329.1); c.3737G>A, p.Trp1246Ter (NM_001425332.1); short protein forms W1356*, W1372*, W1246*, W1259*, W1304*, W1305*, W1365*.
Identifiers: ClinVar variation 1075113 (VCV001075113.9), dbSNP rs1183383313, ClinGen allele CA341340201.
Genomic context (GRCh38, chr1:99,913,692, plus strand): 5'-ATCCAAATCTGGTTCACAAACGTGGCATATACAAAGATAGTTATGGAGCTTCAAGTCCTT[G>A]GTGTGACTATCAGCTCAGGCCTAATTTTACCATAGCAATGGTTGTGGTAGGTGATTCGTT-3'